The following is an entry in ClinVar:

NM_005186.4(CAPN1):c.671G>A (p.Trp224Ter)

Gene: CAPN1 (calpain 1; plus strand). Cytogenetic location: 11q13.1.
Variant type: single nucleotide variant.
Coding change: c.671G>A on transcript NM_005186.4 (MANE Select); coding-DNA position 671, G replaced by A.
Protein change: p.Trp224Ter; replaces tryptophan 224 with a stop codon.
Molecular consequence: nonsense. On other transcripts: non-coding transcript variant (1).
Genome position (GRCh38, 1-based): chr11:65,186,250, G>A. VCF-style: chr11-65186250-G-A. GRCh37 (hg19) VCF-style: chr11-64953721-G-A.
Other names: c.671G>A, p.Trp224Ter (NM_001198868.2, NM_001198869.2); short protein forms W224*.
Identifiers: ClinVar variation 1436890 (VCV001436890.6), dbSNP rs2137318717, ClinGen allele CA381244277.

ClinVar aggregate classification (germline): Pathogenic (1 of 4 stars; one submission).

gnomAD v4.1: 1 of 1,613,550 alleles (0.000062%); highest among the groups gnomAD compares: Non-Finnish European, 0.000085%; no homozygotes.

Submission:

Labcorp Genetics (formerly Invitae), Labcorp
Classification: Pathogenic. Last evaluated: 2022-04-28. Review status: criteria provided, single submitter. Criteria: Invitae Variant Classification Sherloc (09022015). Collection method: clinical testing. Allele origin: germline.
Comment: For these reasons, this variant has been classified as Pathogenic. This variant has not been reported in the literature in individuals affected with CAPN1-related conditions. This variant is not present in population databases (gnomAD no frequency). This sequence change creates a premature translational stop signal (p.Trp224*) in the CAPN1 gene. It is expected to result in an absent or disrupted protein product. Loss-of-function variants in CAPN1 are known to be pathogenic (PMID: 27153400, 27320912).

Literature cited by the submitters: PubMed 27153400; PubMed 27320912.